The following is an entry in ClinVar:

ClinVar aggregate classification (germline): Uncertain significance (1 of 4 stars; one submission).

Conditions:
Heterotaxy, visceral, 4, autosomal (HTX4). Identifiers: Orphanet 450, MedGen C3151057, MONDO:0013403, OMIM 613751.

Submission:

Labcorp Genetics (formerly Invitae), Labcorp
Classification: Uncertain significance for Heterotaxy, visceral, 4, autosomal. Last evaluated: 2022-03-03. Review status: criteria provided, single submitter. Criteria: Invitae Variant Classification Sherloc (09022015). Collection method: clinical testing. Allele origin: germline.
Comment: This variant is not present in population databases (gnomAD no frequency). In summary, the available evidence is currently insufficient to determine the role of this variant in disease. Therefore, it has been classified as a Variant of Uncertain Significance. Advanced modeling of protein sequence and biophysical properties (such as structural, functional, and spatial information, amino acid conservation, physicochemical variation, residue mobility, and thermodynamic stability) performed at Invitae indicates that this missense variant is expected to disrupt ACVR2B protein function. ClinVar contains an entry for this variant (Variation ID: 658791). This variant has not been reported in the literature in individuals affected with ACVR2B-related conditions. This sequence change replaces arginine, which is basic and polar, with glycine, which is neutral and non-polar, at codon 399 of the ACVR2B protein (p.Arg399Gly).

NM_001106.4(ACVR2B):c.1195C>G (p.Arg399Gly)

Gene: ACVR2B (activin A receptor type 2B; plus strand). Cytogenetic location: 3p22.2.
Variant type: single nucleotide variant.
Coding change: c.1195C>G on transcript NM_001106.4 (MANE Select); coding-DNA position 1195, C replaced by G.
Protein change: p.Arg399Gly; replaces arginine 399 with glycine.
Molecular consequence: missense variant.
Genome position (GRCh38, 1-based): chr3:38,482,318, C>G. VCF-style: chr3-38482318-C-G. GRCh37 (hg19) VCF-style: chr3-38523809-C-G.
Other names: short protein forms R399G.
Identifiers: ClinVar variation 658791 (VCV000658791.5), dbSNP rs1575589844, ClinGen allele CA352134654.